The following is an entry in ClinVar:

NM_017950.4(CCDC40):c.3097A>T (p.Lys1033Ter)

Gene: CCDC40 (coiled-coil domain 40 molecular ruler complex subunit; plus strand). Cytogenetic location: 17q25.3.
Variant type: single nucleotide variant.
Coding change: c.3097A>T on transcript NM_017950.4 (MANE Select); coding-DNA position 3097, A replaced by T.
Protein change: p.Lys1033Ter; replaces lysine 1033 with a stop codon.
Molecular consequence: nonsense.
Genome position (GRCh38, 1-based): chr17:80,097,320, A>T. VCF-style: chr17-80097320-A-T. GRCh37 (hg19) VCF-style: chr17-78071119-A-T.
Other names: short protein forms K1033*.
Identifiers: ClinVar variation 216117 (VCV000216117.13), dbSNP rs863224519, ClinGen allele CA336158.

ClinVar aggregate classification (germline): Pathogenic. Review status: criteria provided, multiple submitters, no conflicts (2 of 4 stars). 3 submissions from 3 submitters: Pathogenic (3). Last evaluated 2026-01-26.

Conditions:
CCDC40-related disorder. Also called: CCDC40-related condition.
Primary ciliary dyskinesia. Also called: Ciliary dyskinesia. Identifiers: Orphanet 244, MedGen C0008780, MONDO:0016575, HP:0012265.

Allele frequency attached by ClinVar (database versions not stated): TOPMed below 0.00001; gnomAD 0.00001; gnomAD exomes 0.00001.
gnomAD v4.1: 13 of 1,613,774 alleles (0.00081%); highest among the groups gnomAD compares: Admixed American, 0.0017%; no homozygotes.

Submissions (3):

Dasa
Classification: Pathogenic. Last evaluated: 2026-01-26. Review status: criteria provided, single submitter. Criteria: DASA Assertion Criteria. Collection method: clinical testing. Allele origin: germline.
Comment: NM_017950.4(CCDC40):c.3097A>T (p.Lys1033*) introduces a premature termination codon predicted to result in loss of normal protein function. Loss-of-function is an established mechanism of disease for this gene. This variant has been reported in individuals with related phenotype (PMID: 24498942). The variant is present at low frequency in population datasets. Based on the available data, this variant is classified as pathogenic.

Labcorp Genetics (formerly Invitae), Labcorp
Classification: Pathogenic for Primary ciliary dyskinesia. Last evaluated: 2025-12-05. Review status: criteria provided, single submitter. Criteria: Invitae Variant Classification Sherloc (09022015). Collection method: clinical testing. Allele origin: germline.
Comment: This sequence change creates a premature translational stop signal (p.Lys1033*) in the CCDC40 gene. It is expected to result in an absent or disrupted protein product. Loss-of-function variants in CCDC40 are known to be pathogenic (PMID: 21131974, 22693285, 23255504). This variant is not present in population databases (gnomAD no frequency). This premature translational stop signal has been observed in individual(s) with primary ciliary dyskinesia (PMID: 24498942). ClinVar contains an entry for this variant (Variation ID: 216117). For these reasons, this variant has been classified as Pathogenic.

Blueprint Genetics
Classification: Pathogenic for CCDC40-related disorders. Last evaluated: 2024-10-15. Review status: criteria provided, single submitter. Criteria: ACMG Guidelines, 2015. Collection method: clinical testing. Allele origin: germline. Affected: yes. Observed: 2 variant alleles.

Literature cited by the submitters: PubMed 24498942 (cited by Dasa and Labcorp Genetics (formerly Invitae), Labcorp); PubMed 21131974 (cited by Labcorp Genetics (formerly Invitae), Labcorp); PubMed 22693285 (cited by Labcorp Genetics (formerly Invitae), Labcorp); PubMed 23255504 (cited by Labcorp Genetics (formerly Invitae), Labcorp).